The following is an entry in ClinVar:

ClinVar aggregate classification (germline): Uncertain significance. Review status: criteria provided, multiple submitters, no conflicts (2 of 4 stars). 2 submissions from 2 submitters: Uncertain significance (2). Last evaluated 2022-10-03.

Conditions:
Renal carnitine transport defect (CDSP). Also called: Carnitine transporter deficiency; Primary carnitine deficiency; Systemic primary carnitine deficiency; CARNITINE DEFICIENCY, SYSTEMIC, DUE TO DEFECT IN RENAL REABSORPTION OF CARNITINE; CARNITINE TRANSPORTER, PLASMA-MEMBRANE, DEFICIENCY OF; CARNITINE UPTAKE DEFECT. Identifiers: Orphanet 158, MedGen C0342788, MONDO:0008919, OMIM 212140.

Allele frequency attached by ClinVar (database versions not stated): gnomAD exomes below 0.00001; TOPMed below 0.00001; gnomAD 0.00001.

Submissions (2):

Giacomini Lab, University of California, San Francisco
Classification: Uncertain significance for Renal carnitine transport defect. Last evaluated: 2022-10-03. Review status: criteria provided, single submitter. Criteria: ACMG Guidelines, 2015. Collection method: research, in vitro. Allele origin: germline, not applicable.

Labcorp Genetics (formerly Invitae), Labcorp
Classification: Uncertain significance for Renal carnitine transport defect. Last evaluated: 2022-03-08. Review status: criteria provided, single submitter. Criteria: Invitae Variant Classification Sherloc (09022015). Collection method: clinical testing. Allele origin: germline.
Comment: In summary, the available evidence is currently insufficient to determine the role of this variant in disease. Therefore, it has been classified as a Variant of Uncertain Significance. Advanced modeling of protein sequence and biophysical properties (such as structural, functional, and spatial information, amino acid conservation, physicochemical variation, residue mobility, and thermodynamic stability) performed at Invitae indicates that this missense variant is expected to disrupt SLC22A5 protein function. This variant has not been reported in the literature in individuals affected with SLC22A5-related conditions. This variant is present in population databases (no rsID available, gnomAD 0.009%). This sequence change replaces asparagine, which is neutral and polar, with lysine, which is basic and polar, at codon 57 of the SLC22A5 protein (p.Asn57Lys).

NM_003060.4(SLC22A5):c.171C>G (p.Asn57Lys)

Gene: SLC22A5 (solute carrier family 22 member 5; plus strand). Cytogenetic location: 5q31.1.
Variant type: single nucleotide variant.
Coding change: c.171C>G on transcript NM_003060.4 (MANE Select); coding-DNA position 171, C replaced by G.
Protein change: p.Asn57Lys; replaces asparagine 57 with lysine.
Molecular consequence: missense variant.
Genome position (GRCh38, 1-based): chr5:132,370,143, C>G. VCF-style: chr5-132370143-C-G. GRCh37 (hg19) VCF-style: chr5-131705835-C-G.
Other names: p.Asn57Lys; c.171C>G, p.Asn57Lys (NM_001308122.2); short protein forms N57K.
Identifiers: ClinVar variation 1491545 (VCV001491545.6), dbSNP rs1354240252, ClinGen allele CA360802517.